The following is an entry in ClinVar:

NM_001378452.1(ITPR1):c.1591G>A (p.Gly531Ser)

Gene: ITPR1 (inositol 1,4,5-trisphosphate receptor type 1; plus strand). Cytogenetic location: 3p26.1.
Variant type: single nucleotide variant.
Coding change: c.1591G>A on transcript NM_001378452.1 (MANE Select); coding-DNA position 1591, G replaced by A.
Protein change: p.Gly531Ser; replaces glycine 531 with serine.
Molecular consequence: missense variant.
Genome position (GRCh38, 1-based): chr3:4,665,174, G>A. VCF-style: chr3-4665174-G-A. GRCh37 (hg19) VCF-style: chr3-4706858-G-A.
Other names: c.1591G>A, p.Gly531Ser (NM_001099952.4); c.1546G>A, p.Gly516Ser (NM_001168272.2, NM_002222.7); short protein forms G516S, G531S.
Identifiers: ClinVar variation 3602139 (VCV003602139.2).
Genomic context (GRCh38, chr3:4,665,174, plus strand): 5'-TTTGCTTTTCATTTTCACAAACAGATCTTCAAGTTGTTACAAGCCCCATTCACAGACTGC[G>A]GTGATGGCCCAATGCTTCGGCTGGAAGAGCTCGGGGACCAGCGGCACGCTCCTTTCAGAC-3'
Protein context (NP_001365381.1, residues 521-541): KLLQAPFTDC[Gly531Ser]DGPMLRLEEL

ClinVar aggregate classification (germline): Uncertain significance. Review status: criteria provided, multiple submitters, no conflicts (2 of 4 stars). 2 submissions from 2 submitters: Uncertain significance (2). Last evaluated 2026-05-27.

Conditions:
Inborn genetic diseases. Identifiers: MedGen C0950123, MeSH D030342.

gnomAD v4.1: 9 of 1,613,908 alleles (0.00056%); highest among the groups gnomAD compares: Non-Finnish European, 0.00068%; no homozygotes.

Submissions (2):

Ambry Genetics
Classification: Uncertain significance for Inborn genetic diseases. Last evaluated: 2026-05-27. Review status: criteria provided, single submitter. Criteria: Ambry Variant Classification Scheme 2023. Collection method: clinical testing. Allele origin: germline.

GeneDx
Classification: Uncertain significance. Last evaluated: 2024-08-01. Review status: criteria provided, single submitter. Criteria: GeneDx Variant Classification Process June 2021. Collection method: clinical testing. Allele origin: germline. Affected: yes.
Comment: Not observed at significant frequency in large population cohorts (gnomAD); In silico analysis supports that this missense variant has a deleterious effect on protein structure/function; Has not been previously published as pathogenic or benign to our knowledge